The following is an entry in ClinVar:

ClinVar aggregate classification (germline): Uncertain significance (1 of 4 stars; one submission).

Conditions:
Fanconi anemia (FA). Also called: Fanconi's anemia. Identifiers: Orphanet 84, MedGen C0015625, MeSH D005199, MONDO:0019391.

Allele frequency attached by ClinVar (database versions not stated): gnomAD exomes below 0.00001; gnomAD 0.00001.

Submission:

Labcorp Genetics (formerly Invitae), Labcorp
Classification: Uncertain significance for Fanconi anemia. Last evaluated: 2022-02-18. Review status: criteria provided, single submitter. Criteria: Invitae Variant Classification Sherloc (09022015). Collection method: clinical testing. Allele origin: germline.
Comment: This sequence change replaces isoleucine, which is neutral and non-polar, with valine, which is neutral and non-polar, at codon 1291 of the FANCA protein (p.Ile1291Val). This variant is present in population databases (rs547572315, gnomAD 0.006%). This variant has not been reported in the literature in individuals affected with FANCA-related conditions. Advanced modeling of protein sequence and biophysical properties (such as structural, functional, and spatial information, amino acid conservation, physicochemical variation, residue mobility, and thermodynamic stability) performed at Invitae indicates that this missense variant is not expected to disrupt FANCA protein function. Algorithms developed to predict the effect of sequence changes on RNA splicing suggest that this variant may create or strengthen a splice site. In summary, the available evidence is currently insufficient to determine the role of this variant in disease. Therefore, it has been classified as a Variant of Uncertain Significance.

NM_000135.4(FANCA):c.3871A>G (p.Ile1291Val)

Genes: FANCA (FA complementation group A; minus strand), ZNF276 (zinc finger protein 276; plus strand). Cytogenetic location: 16q24.3.
Variant type: single nucleotide variant.
Coding change: c.3871A>G on transcript NM_000135.4 (MANE Select); coding-DNA position 3871, A replaced by G.
Protein change: p.Ile1291Val; replaces isoleucine 1291 with valine.
Molecular consequence: missense variant. On other transcripts: 3 prime UTR variant (2), non-coding transcript variant (4).
Genome position (GRCh38, 1-based): chr16:89,740,057, T>C on the plus strand (A>G on the coding strand, the complement: FANCA is on the minus strand). VCF-style: chr16-89740057-T-C. GRCh37 (hg19) VCF-style: chr16-89806465-T-C.
Other names: c.3871A>G, p.Ile1291Val (NM_001286167.3); c.*1811T>C (NM_001113525.2, NM_152287.4); short protein forms I1291V.
Identifiers: ClinVar variation 1388983 (VCV001388983.5), dbSNP rs547572315, ClinGen allele CA286617833.